The following is an entry in ClinVar:

NM_007294.4(BRCA1):c.5194-10T>G

Gene: BRCA1 (BRCA1 DNA repair associated; minus strand). Cytogenetic location: 17q21.31.
Variant type: single nucleotide variant.
Coding change: c.5194-10T>G on transcript NM_007294.4 (MANE Select); 10 bases into the intron before coding-DNA position 5194, T replaced by G.
Molecular consequence: intron variant.
Genome position (GRCh38, 1-based): chr17:43,057,145, A>C on the plus strand (T>G on the coding strand, the complement: BRCA1 is on the minus strand). VCF-style: chr17-43057145-A-C. GRCh37 (hg19) VCF-style: chr17-41209162-A-C.
Other names: c.1741-10T>G (NM_001408458.1, NM_001408461.1, NM_001408464.1 and 7 more transcripts); c.4303-10T>G (NM_001407967.1); c.4813-10T>G (NM_001407959.1); c.4927-10T>G (NM_001407931.1, NM_001407932.1, NM_001407928.1 and 4 more transcripts); c.5050-10T>G (NM_001407747.1, NM_001407745.1, NM_001407737.1 and 21 more transcripts); c.4810-10T>G (NM_001407962.1, NM_001407960.1); c.1381-10T>G (NM_001408512.1); c.1504-10T>G (NM_001408510.1); and 72 more.
Identifiers: ClinVar variation 867497 (VCV000867497.3), dbSNP rs1555576995, ClinGen allele CA916081203.

Conditions:
Breast-ovarian cancer, familial, susceptibility to, 1 (BROVCA1). Also called: BRCA1 Hereditary Breast and Ovarian Cancer; OVARIAN CANCER, SUSCEPTIBILITY TO. Identifiers: Orphanet 145, MedGen C2676676, MONDO:0011450, OMIM 604370. Disease mechanism: loss of function.

Submission:

Brotman Baty Institute, University of Washington
No classification provided (evidence only). Condition: Breast-ovarian cancer, familial 1. Review status: no classification provided. Collection method: in vitro. Allele origin: not applicable. Functional consequence: functionally_normal.
ClinVar note: "not provided" was previously submitted as the classification for the variant. However, the classification appeared to be based only on an observation of functional data so it was converted to no classification on 2025-07-30.